The following is an entry in ClinVar:

NM_138713.4(NFAT5):c.1895C>T (p.Ala632Val)

Gene: NFAT5 (nuclear factor of activated T cells 5; plus strand). Cytogenetic location: 16q22.1.
Variant type: single nucleotide variant.
Coding change: c.1895C>T on transcript NM_138713.4 (MANE Select); coding-DNA position 1895, C replaced by T.
Protein change: p.Ala632Val; replaces alanine 632 with valine.
Molecular consequence: missense variant.
Genome position (GRCh38, 1-based): chr16:69,691,060, C>T. VCF-style: chr16-69691060-C-T. GRCh37 (hg19) VCF-style: chr16-69724963-C-T.
Other names: c.1895C>T (NM_138713.3); c.1892C>T, p.Ala631Val (NM_001113178.3); c.1220C>T, p.Ala407Val (NM_001367709.1); c.1841C>T, p.Ala614Val (NM_006599.4); c.1613C>T, p.Ala538Val (NM_138714.4, NM_173214.3, NM_173215.3); short protein forms A614V, A632V, A407V, A538V, A631V.
Identifiers: ClinVar variation 1951706 (VCV001951706.6), dbSNP rs773266542, ClinGen allele CA8135678.

ClinVar aggregate classification (germline): Uncertain significance. Review status: criteria provided, multiple submitters, no conflicts (2 of 4 stars). 2 submissions from 2 submitters: Uncertain significance (2). Last evaluated 2024-02-28.

Conditions:
Immunodeficiency. Identifiers: MedGen C0021051, MONDO:0021094, HP:0002721.

Allele frequency attached by ClinVar (database versions not stated): gnomAD 0.00001; gnomAD exomes 0.00001; TOPMed 0.00001; ExAC 0.00002.
gnomAD v4.1: 5 of 1,599,674 alleles (0.00031%); highest among the groups gnomAD compares: East Asian, 0.011%; no homozygotes.

Submissions (2):

Ambry Genetics
Classification: Uncertain significance. Last evaluated: 2024-02-28. Review status: criteria provided, single submitter. Criteria: Ambry Variant Classification Scheme 2023. Collection method: clinical testing. Allele origin: germline.

Labcorp Genetics (formerly Invitae), Labcorp
Classification: Uncertain significance for Immunodeficiency. Last evaluated: 2022-09-10. Review status: criteria provided, single submitter. Criteria: Invitae Variant Classification Sherloc (09022015). Collection method: clinical testing. Allele origin: germline.
Comment: This sequence change replaces alanine, which is neutral and non-polar, with valine, which is neutral and non-polar, at codon 538 of the NFAT5 protein (p.Ala538Val). This variant is present in population databases (rs773266542, gnomAD 0.04%), and has an allele count higher than expected for a pathogenic variant. This variant has not been reported in the literature in individuals affected with NFAT5-related conditions. Algorithms developed to predict the effect of missense changes on protein structure and function (SIFT, PolyPhen-2, Align-GVGD) all suggest that this variant is likely to be tolerated. In summary, the available evidence is currently insufficient to determine the role of this variant in disease. Therefore, it has been classified as a Variant of Uncertain Significance.